The following is an entry in ClinVar:

ClinVar aggregate classification (germline): Uncertain significance (1 of 4 stars; one submission).

Conditions:
Duchenne muscular dystrophy (DMD). Also called: MUSCULAR DYSTROPHY, PSEUDOHYPERTROPHIC PROGRESSIVE, DUCHENNE TYPE; Duchenne Muscular Dystrophy (DMD). Identifiers: Orphanet 98896, MedGen C0013264, MONDO:0010679, OMIM 310200.

gnomAD v4.1: 1 of 1,210,022 alleles (0.000083%); highest among the groups gnomAD compares: African/African-American, 0.0018%; no homozygotes.

Submission:

Labcorp Genetics (formerly Invitae), Labcorp
Classification: Uncertain significance for Duchenne muscular dystrophy. Last evaluated: 2024-04-20. Review status: criteria provided, single submitter. Criteria: Invitae Variant Classification Sherloc (09022015). Collection method: clinical testing. Allele origin: germline.
Comment: This sequence change replaces isoleucine, which is neutral and non-polar, with threonine, which is neutral and polar, at codon 3151 of the DMD protein (p.Ile3151Thr). This variant is not present in population databases (gnomAD no frequency). This variant has not been reported in the literature in individuals affected with DMD-related conditions. Advanced modeling of protein sequence and biophysical properties (such as structural, functional, and spatial information, amino acid conservation, physicochemical variation, residue mobility, and thermodynamic stability) performed at Invitae indicates that this missense variant is not expected to disrupt DMD protein function with a negative predictive value of 95%. In summary, the available evidence is currently insufficient to determine the role of this variant in disease. Therefore, it has been classified as a Variant of Uncertain Significance.

NM_004006.3(DMD):c.9452T>C (p.Ile3151Thr)

Gene: DMD (dystrophin; minus strand). Cytogenetic location: Xp21.2.
Variant type: single nucleotide variant.
Coding change: c.9452T>C on transcript NM_004006.3 (MANE Select); coding-DNA position 9452, T replaced by C.
Protein change: p.Ile3151Thr; replaces isoleucine 3151 with threonine.
Molecular consequence: missense variant.
Genome position (GRCh38, 1-based): chrX:31,209,609, A>G on the plus strand (T>C on the coding strand, the complement: DMD is on the minus strand). VCF-style: chrX-31209609-A-G. GRCh37 (hg19) VCF-style: chrX-31227726-A-G.
Other names: c.9428T>C, p.Ile3143Thr (NM_000109.4); c.9440T>C, p.Ile3147Thr (NM_004009.3); c.9083T>C, p.Ile3028Thr (NM_004010.3); c.5429T>C, p.Ile1810Thr (NM_004011.4); c.5420T>C, p.Ile1807Thr (NM_004012.4); c.2072T>C, p.Ile691Thr (NM_004013.3, NM_004020.4, NM_004021.3 and 2 more transcripts); c.1265T>C, p.Ile422Thr (NM_004014.3); c.248T>C, p.Ile83Thr (NM_004015.3, NM_004016.3, NM_004017.3 and 2 more transcripts); short protein forms I3028T, I3147T, I422T, I1807T, I1810T, I3151T, I83T, I3143T.
Identifiers: ClinVar variation 3658135 (VCV003658135.2).